The following is an entry in ClinVar:

ClinVar aggregate classification (germline): Uncertain significance (1 of 4 stars; one submission).

Allele frequency attached by ClinVar (database versions not stated): gnomAD exomes below 0.00001; TOPMed below 0.00001; gnomAD 0.00001.
gnomAD v4.1: 7 of 1,613,894 alleles (0.00043%); highest among the groups gnomAD compares: Non-Finnish European, 0.00042%; no homozygotes.

Submission:

Labcorp Genetics (formerly Invitae), Labcorp
Classification: Uncertain significance. Last evaluated: 2021-12-03. Review status: criteria provided, single submitter. Criteria: Invitae Variant Classification Sherloc (09022015). Collection method: clinical testing. Allele origin: germline.
Comment: This sequence change replaces threonine, which is neutral and polar, with alanine, which is neutral and non-polar, at codon 214 of the CTNNB1 protein (p.Thr214Ala). This variant is present in population databases (no rsID available, gnomAD 0.007%). This variant has not been reported in the literature in individuals affected with CTNNB1-related conditions. Algorithms developed to predict the effect of missense changes on protein structure and function (SIFT, PolyPhen-2, Align-GVGD) all suggest that this variant is likely to be tolerated. In summary, the available evidence is currently insufficient to determine the role of this variant in disease. Therefore, it has been classified as a Variant of Uncertain Significance.

NM_001904.4(CTNNB1):c.640A>G (p.Thr214Ala)

Genes: CTNNB1 (catenin beta 1; plus strand), LOC126806658 (BRD4-independent group 4 enhancer GRCh37_chr3:41265899-41267098; plus strand). Cytogenetic location: 3p22.1.
Variant type: single nucleotide variant.
Coding change: c.640A>G on transcript NM_001904.4 (MANE Select); coding-DNA position 640, A replaced by G.
Protein change: p.Thr214Ala; replaces threonine 214 with alanine.
Molecular consequence: missense variant.
Genome position (GRCh38, 1-based): chr3:41,225,478, A>G. VCF-style: chr3-41225478-A-G. GRCh37 (hg19) VCF-style: chr3-41266969-A-G.
Other names: c.640A>G, p.Thr214Ala (NM_001098209.2, NM_001098210.2); c.619A>G, p.Thr207Ala (NM_001330729.2); short protein forms T214A, T207A.
Identifiers: ClinVar variation 1485104 (VCV001485104.6), dbSNP rs1230436040, ClinGen allele CA352229753.